The following is an entry in ClinVar:

ClinVar aggregate classification (germline): Uncertain significance (1 of 4 stars; one submission).

Conditions:
Malignant hyperthermia, susceptibility to, 1 (MHS1). Also called: Anesthesia related hyperthermia; Malignant hyperpyrexia; Fulminating hyperpyrexia; Pharmacogenic myopathy; RYR1-Related Malignant Hyperthermia Susceptibility; Malignant hyperthermia suceptibility 1. Identifiers: Orphanet 423, MedGen C2930980, MONDO:0007783, OMIM 145600.

Submission:

All of Us Research Program, National Institutes of Health
Classification: Uncertain significance for Malignant hyperthermia, susceptibility to, 1. Last evaluated: 2023-10-02. Review status: criteria provided, single submitter. Criteria: ACMG Guidelines, 2015. Collection method: clinical testing. Allele origin: germline. Inheritance: Autosomal dominant inheritance. Observed: 1 variant allele, 1 heterozygote.
Comment: This missense variant replaces phenylalanine with leucine at codon 1089 of the RYR1 protein. Computational prediction is inconclusive regarding the impact of this variant on protein structure and function (internally defined REVEL score threshold 0.5 < inconclusive < 0.7, PMID: 27666373). To our knowledge, functional studies have not been reported for this variant. This variant has not been reported in individuals affected with RYR1-related disorders in the literature. This variant has not been identified in the general population by the Genome Aggregation Database (gnomAD). The available evidence is insufficient to determine the role of this variant in disease conclusively. Therefore, this variant is classified as a Variant of Uncertain Significance.

This study involves interpretation of variants in research participants for the purpose of population health screening. Participant phenotype was not available at the time of variant classification. Additional details can be found in publication PMID: 35346344, PMCID: PMC8962531

NM_000540.3(RYR1):c.3267C>G (p.Phe1089Leu)

Gene: RYR1 (ryanodine receptor 1; plus strand). Cytogenetic location: 19q13.2.
Variant type: single nucleotide variant.
Coding change: c.3267C>G on transcript NM_000540.3 (MANE Select); coding-DNA position 3267, C replaced by G.
Protein change: p.Phe1089Leu; replaces phenylalanine 1089 with leucine.
Molecular consequence: missense variant.
Genome position (GRCh38, 1-based): chr19:38,467,698, C>G. VCF-style: chr19-38467698-C-G. GRCh37 (hg19) VCF-style: chr19-38958338-C-G.
Other names: c.3267C>G, p.Phe1089Leu (NM_001042723.2); short protein forms F1089L.
Identifiers: ClinVar variation 3073622 (VCV003073622.1), dbSNP rs1302567016, ClinGen allele CA405637157.
Genomic context (GRCh38, chr19:38,467,698, plus strand): 5'-CCGGGTGCGCATCTTCCGGGCAGAGAAATCCTATACAGTGCAGAGCGGCCGCTGGTACTT[C>G]GAGTTTGAAGCAGTCACCACAGGCGAGATGCGCGTGGGCTGGGCGAGGCCCGAGCTGAGG-3'
Protein context (NP_000531.2, residues 1079-1099): SYTVQSGRWY[Phe1089Leu]EFEAVTTGEM